The following is an entry in ClinVar:

ClinVar aggregate classification (germline): Benign (1 of 4 stars; one submission).

Allele frequency attached by ClinVar (database versions not stated): TOPMed 0.31354; 1000 Genomes Project 0.31390; 1000 Genomes Project 30x 0.31715.
gnomAD v4.1: 45,976 of 152,050 alleles (30%); highest among the groups gnomAD compares: African/African-American, 47%; 7,794 homozygotes.

Submission:

GeneDx
Classification: Benign. Last evaluated: 2018-06-18. Review status: criteria provided, single submitter. Criteria: GeneDx Variant Classification (06012015). Collection method: clinical testing. Allele origin: germline. Affected: yes.
Comment: This variant is considered likely benign or benign based on one or more of the following criteria: it is a conservative change, it occurs at a poorly conserved position in the protein, it is predicted to be benign by multiple in silico algorithms, and/or has population frequency not consistent with disease.

NM_022114.4(PRDM16):c.387+274G>T

Gene: PRDM16 (PR/SET domain 16; plus strand). Cytogenetic location: 1p36.32.
Variant type: single nucleotide variant.
Coding change: c.387+274G>T on transcript NM_022114.4 (MANE Select); 274 bases into the intron after coding-DNA position 387, G replaced by T.
Molecular consequence: intron variant.
Genome position (GRCh38, 1-based): chr1:3,186,748, G>T. VCF-style: chr1-3186748-G-T. GRCh37 (hg19) VCF-style: chr1-3103312-G-T.
Other names: c.387+274G>T (NM_199454.3).
Identifiers: ClinVar variation 669013 (VCV000669013.1), dbSNP rs12135062, ClinGen allele CA10656054.